The following is an entry in ClinVar:

ClinVar aggregate classification (germline): Uncertain significance (1 of 4 stars; one submission).

Conditions:
Autosomal dominant epilepsy with auditory features. Identifiers: Orphanet 101046, MedGen C1838062, MONDO:0010898.

Allele frequency attached by ClinVar (database versions not stated): TOPMed 0.00002; gnomAD 0.00001; gnomAD exomes 0.00001.

Submission:

Labcorp Genetics (formerly Invitae), Labcorp
Classification: Uncertain significance for Autosomal dominant epilepsy with auditory features. Last evaluated: 2025-11-17. Review status: criteria provided, single submitter. Criteria: Invitae Variant Classification Sherloc (09022015). Collection method: clinical testing. Allele origin: germline.
Comment: This sequence change replaces threonine, which is neutral and polar, with arginine, which is basic and polar, at codon 279 of the LGI1 protein (p.Thr279Arg). This variant is not present in population databases (gnomAD no frequency). This variant has not been reported in the literature in individuals affected with LGI1-related conditions. ClinVar contains an entry for this variant (Variation ID: 566558). An algorithm developed to predict the effect of missense changes on protein structure and function (PolyPhen-2) suggests that this variant is likely to be disruptive. In summary, the available evidence is currently insufficient to determine the role of this variant in disease. Therefore, it has been classified as a Variant of Uncertain Significance.

NM_005097.4(LGI1):c.836C>G (p.Thr279Arg)

Gene: LGI1 (leucine rich glioma inactivated 1; plus strand). Cytogenetic location: 10q23.33.
Variant type: single nucleotide variant.
Coding change: c.836C>G on transcript NM_005097.4 (MANE Select); coding-DNA position 836, C replaced by G.
Protein change: p.Thr279Arg; replaces threonine 279 with arginine.
Molecular consequence: missense variant. On other transcripts: non-coding transcript variant (1).
Genome position (GRCh38, 1-based): chr10:93,793,348, C>G. VCF-style: chr10-93793348-C-G. GRCh37 (hg19) VCF-style: chr10-95553105-C-G.
Other names: c.836C>G, p.Thr279Arg (NM_001308275.2); c.692C>G, p.Thr231Arg (NM_001308276.2); short protein forms T279R, T231R.
Identifiers: ClinVar variation 566558 (VCV000566558.10), dbSNP rs1159639109, ClinGen allele CA377624659.